The following is an entry in ClinVar:

ClinVar aggregate classification (germline): Uncertain significance. Review status: criteria provided, multiple submitters, no conflicts (2 of 4 stars). 2 submissions from 2 submitters: Uncertain significance (2). Last evaluated 2020-03-05.

Conditions:
Ataxia-telangiectasia syndrome (AT). Also called: Ataxia-telangiectasia, complementation group D; AT, COMPLEMENTATION GROUP C; ATAXIA-TELANGIECTASIA, COMPLEMENTATION GROUP A; ATAXIA-TELANGIECTASIA, FRESNO VARIANT; Ataxia-telangiectasia; LOUIS-BAR SYNDROME. Identifiers: Orphanet 100, MedGen C0004135, MONDO:0008840, OMIM 208900.
Hereditary cancer-predisposing syndrome. Also called: Tumor predisposition; Hereditary neoplastic syndrome; Neoplastic Syndromes, Hereditary; Hereditary Cancer Syndrome. Identifiers: Orphanet 140162, MedGen C0027672, MeSH D009386, MONDO:0015356.

Submissions (2):

Labcorp Genetics (formerly Invitae), Labcorp
Classification: Uncertain significance for Ataxia-telangiectasia syndrome. Last evaluated: 2020-03-05. Review status: criteria provided, single submitter. Criteria: Invitae Variant Classification Sherloc (09022015). Collection method: clinical testing. Allele origin: germline.
Comment: This sequence change falls in intron 62 of the ATM gene. It does not directly change the encoded amino acid sequence of the ATM protein. This variant is not present in population databases (ExAC no frequency). This variant has not been reported in the literature in individuals with ATM-related disease. Algorithms developed to predict the effect of sequence changes on RNA splicing suggest that this variant may disrupt the consensus splice site, but this prediction has not been confirmed by published transcriptional studies. In summary, the available evidence is currently insufficient to determine the role of this variant in disease. Therefore, it has been classified as a Variant of Uncertain Significance.

Color Diagnostics, LLC DBA Color Health
Classification: Uncertain significance for Hereditary cancer-predisposing syndrome. Last evaluated: 2019-02-27. Review status: criteria provided, single submitter. Criteria: ACMG Guidelines, 2015. Collection method: clinical testing. Allele origin: germline.

NM_000051.4(ATM):c.8988-8dup

Genes: ATM (ATM serine/threonine kinase; plus strand), C11orf65 (chromosome 11 open reading frame 65; minus strand). Cytogenetic location: 11q22.3.
Variant type: Duplication.
Coding change: c.8988-8dup on transcript NM_000051.4 (MANE Select); 8 bases into the intron before coding-DNA position 8988, one base duplicated (G; older notation c.8988-8dupG).
Molecular consequence: intron variant.
Genome position (GRCh38, 1-based): chr11:108,365,317, G duplicated. VCF-style (leftmost placement, unchanged base first): chr11-108365316-T-TG. GRCh37 (hg19) VCF-style: chr11-108236043-T-TG.
Other names: c.8988-8dup (NM_001351834.2); c.640+20603dup (NM_001330368.2); c.694+20603dup (NM_001351110.2); c.8988-8dupG (NM_000051.3).
Identifiers: ClinVar variation 638842 (VCV000638842.14), dbSNP rs1591386308, ClinGen allele CA913188462.